The following is an entry in ClinVar:

ClinVar aggregate classification (germline): Uncertain significance. Review status: criteria provided, multiple submitters, no conflicts (2 of 4 stars). 3 submissions from 3 submitters: Uncertain significance (3). Last evaluated 2025-09-19.

Conditions:
Cardiovascular phenotype. Identifiers: MedGen CN230736.
Long QT syndrome (LQTS). Identifiers: MedGen C0023976, MeSH D008133, MONDO:0002442. Disease mechanism: loss of function. Inheritance: Various modes of inheritance.

Allele frequency attached by ClinVar (database versions not stated): gnomAD exomes 0.00001; ExAC 0.00002; ESP Exome Variant Server 0.00015.
gnomAD v4.1: 20 of 1,614,200 alleles (0.0012%); highest among the groups gnomAD compares: Non-Finnish European, 0.0016%; no homozygotes.

Submissions (3):

GeneDx
Classification: Uncertain significance. Last evaluated: 2025-09-19. Review status: criteria provided, single submitter. Criteria: GeneDx Variant Classification Process June 2021. Collection method: clinical testing. Allele origin: germline. Affected: yes.
Comment: Not observed at significant frequency in large population cohorts (gnomAD); In silico analysis suggests that this missense variant does not alter protein structure/function; Has not been previously published as pathogenic or benign to our knowledge

Labcorp Genetics (formerly Invitae), Labcorp
Classification: Uncertain significance for Long QT syndrome. Last evaluated: 2023-09-10. Review status: criteria provided, single submitter. Criteria: Invitae Variant Classification Sherloc (09022015). Collection method: clinical testing. Allele origin: germline.
Comment: This sequence change replaces isoleucine, which is neutral and non-polar, with valine, which is neutral and non-polar, at codon 427 of the SNTA1 protein (p.Ile427Val). This variant is present in population databases (rs151158866, gnomAD 0.002%). This variant has not been reported in the literature in individuals affected with SNTA1-related conditions. ClinVar contains an entry for this variant (Variation ID: 190922). Advanced modeling of protein sequence and biophysical properties (such as structural, functional, and spatial information, amino acid conservation, physicochemical variation, residue mobility, and thermodynamic stability) performed at Invitae indicates that this missense variant is not expected to disrupt SNTA1 protein function. In summary, the available evidence is currently insufficient to determine the role of this variant in disease. Therefore, it has been classified as a Variant of Uncertain Significance.

Ambry Genetics
Classification: Uncertain significance for Cardiovascular phenotype. Last evaluated: 2022-07-15. Review status: criteria provided, single submitter. Criteria: Ambry Variant Classification Scheme 2023. Collection method: clinical testing. Allele origin: germline.
Comment: The p.I427V variant (also known as c.1279A>G), located in coding exon 7 of the SNTA1 gene, results from an A to G substitution at nucleotide position 1279. The isoleucine at codon 427 is replaced by valine, an amino acid with highly similar properties. This amino acid position is well conserved in available vertebrate species. In addition, this alteration is predicted to be tolerated by in silico analysis. The evidence for this gene-disease relationship is limited; therefore, the clinical significance of this alteration is unclear.

NM_003098.3(SNTA1):c.1279A>G (p.Ile427Val)

Gene: SNTA1 (syntrophin alpha 1; minus strand). Cytogenetic location: 20q11.21.
Variant type: single nucleotide variant.
Coding change: c.1279A>G on transcript NM_003098.3 (MANE Select); coding-DNA position 1279, A replaced by G.
Protein change: p.Ile427Val; replaces isoleucine 427 with valine.
Molecular consequence: missense variant.
Genome position (GRCh38, 1-based): chr20:33,408,847, T>C on the plus strand (A>G on the coding strand, the complement: SNTA1 is on the minus strand). VCF-style: chr20-33408847-T-C. GRCh37 (hg19) VCF-style: chr20-31996653-T-C.
Other names: p.I427V:ATC>GTC; short protein forms I427V.
Identifiers: ClinVar variation 190922 (VCV000190922.8), dbSNP rs151158866, ClinGen allele CA302294.